The following is an entry in ClinVar:

NM_001287491.2(TET3):c.3904G>A (p.Gly1302Ser)

Gene: TET3 (tet methylcytosine dioxygenase 3; plus strand). Cytogenetic location: 2p13.1.
Variant type: single nucleotide variant.
Coding change: c.3904G>A on transcript NM_001287491.2 (MANE Select); coding-DNA position 3904, G replaced by A.
Protein change: p.Gly1302Ser; replaces glycine 1302 with serine.
Molecular consequence: missense variant.
Genome position (GRCh38, 1-based): chr2:74,100,692, G>A. VCF-style: chr2-74100692-G-A. GRCh37 (hg19) VCF-style: chr2-74327819-G-A.
Other names: c.3625G>A, p.Gly1209Ser (NM_001366022.1); c.3499G>A, p.Gly1167Ser (NM_144993.1); short protein forms G1167S, G1209S, G1302S.
Identifiers: ClinVar variation 2442505 (VCV002442505.2), dbSNP rs2528187646, ClinGen allele CA347317989.

ClinVar aggregate classification (germline): Uncertain significance (1 of 4 stars; one submission).

Submission:

GeneDx
Classification: Uncertain significance. Last evaluated: 2023-04-13. Review status: criteria provided, single submitter. Criteria: GeneDx Variant Classification Process June 2021. Collection method: clinical testing. Allele origin: germline. Affected: yes.
Comment: Not observed at significant frequency in large population cohorts (gnomAD); In silico analysis supports that this missense variant does not alter protein structure/function; Has not been previously published as pathogenic or benign to our knowledge